The following is an entry in ClinVar:

ClinVar aggregate classification (germline): Uncertain significance. Review status: criteria provided, multiple submitters, no conflicts (2 of 4 stars). 2 submissions from 2 submitters: Uncertain significance (2). Last evaluated 2025-11-25.

Conditions:
Hyperuricemia, pulmonary hypertension, renal failure, alkalosis syndrome (HUPRAS). Also called: HUPRA SYNDROME; HYPERURICEMIA, PULMONARY HYPERTENSION, RENAL FAILURE, AND ALKALOSIS SYNDROME. Identifiers: Orphanet 363694, MedGen C3151209, MONDO:0013458, OMIM 613845.

Allele frequency attached by ClinVar (database versions not stated): gnomAD exomes 0.00003; gnomAD 0.00005; ExAC 0.00006; ESP Exome Variant Server 0.00023.
gnomAD v4.1: 52 of 1,614,072 alleles (0.0032%); highest among the groups gnomAD compares: African/African-American, 0.013%; no homozygotes.

Submissions (2):

GeneDx
Classification: Uncertain significance. Last evaluated: 2025-11-25. Review status: criteria provided, single submitter. Criteria: GeneDx Variant Classification Process June 2021. Collection method: clinical testing. Allele origin: germline. Affected: yes.
Comment: Not observed at significant frequency in large population cohorts (gnomAD); In silico analysis supports that this missense variant has a deleterious effect on protein structure/function; Has not been previously published as pathogenic or benign to our knowledge

Fulgent Genetics
Classification: Uncertain significance for Hyperuricemia, pulmonary hypertension, renal failure, alkalosis syndrome. Last evaluated: 2024-03-28. Review status: criteria provided, single submitter. Criteria: ACMG Guidelines, 2015. Collection method: clinical testing. Allele origin: germline.

NM_017827.4(SARS2):c.500C>T (p.Ala167Val)

Gene: SARS2 (seryl-tRNA synthetase 2, mitochondrial; minus strand). Cytogenetic location: 19q13.2.
Variant type: single nucleotide variant.
Coding change: c.500C>T on transcript NM_017827.4 (MANE Select); coding-DNA position 500, C replaced by T.
Protein change: p.Ala167Val; replaces alanine 167 with valine.
Molecular consequence: missense variant.
Genome position (GRCh38, 1-based): chr19:38,921,561, G>A on the plus strand (C>T on the coding strand, the complement: SARS2 is on the minus strand). VCF-style: chr19-38921561-G-A. GRCh37 (hg19) VCF-style: chr19-39412201-G-A.
Other names: c.506C>T, p.Ala169Val (NM_001145901.2); short protein forms A167V, A169V.
Identifiers: ClinVar variation 2574961 (VCV002574961.3), dbSNP rs145344518, ClinGen allele CA9423165.